The following is an entry in ClinVar:

NM_015662.3(IFT172):c.3371+3G>C

Gene: IFT172 (intraflagellar transport 172; minus strand). Cytogenetic location: 2p23.3.
Variant type: single nucleotide variant.
Coding change: c.3371+3G>C on transcript NM_015662.3 (MANE Select); 3 bases into the intron after coding-DNA position 3371, G replaced by C.
Molecular consequence: intron variant.
Genome position (GRCh38, 1-based): chr2:27,456,508, C>G on the plus strand (G>C on the coding strand, the complement: IFT172 is on the minus strand). VCF-style: chr2-27456508-C-G. GRCh37 (hg19) VCF-style: chr2-27679375-C-G.
Other names: c.3305+3G>C (NM_001410739.1).
Identifiers: ClinVar variation 5002083 (VCV005002083.1).

ClinVar aggregate classification (germline): Uncertain significance (1 of 4 stars; one submission).

Conditions:
IFT172-related disorder. Also called: IFT172-related disorders; IFT172-related condition.

Submission:

PreventionGenetics, part of Exact Sciences
Classification: Uncertain significance for IFT172-related condition. Last evaluated: 2025-06-18. Review status: criteria provided, single submitter. Criteria: ACMG Guidelines, 2015. Collection method: clinical testing. Allele origin: germline.
Comment: The IFT172 c.3371+3G>C variant is predicted to interfere with splicing. To our knowledge, this variant has not been reported in the literature or in a large population database (gnomAD), indicating this variant is rare. At this time, the clinical significance of this variant is uncertain due to the absence of conclusive functional and genetic evidence.